The following is an entry in ClinVar:

NM_001199107.2(TBC1D24):c.1026G>A (p.Ser342=)

Gene: TBC1D24 (TBC1 domain family member 24; plus strand). Cytogenetic location: 16p13.3.
Variant type: single nucleotide variant.
Coding change: c.1026G>A on transcript NM_001199107.2 (MANE Select); coding-DNA position 1026, G replaced by A.
Protein change: p.Ser342=; no amino-acid change (serine 342 retained).
Molecular consequence: synonymous variant.
Genome position (GRCh38, 1-based): chr16:2,498,280, G>A. VCF-style: chr16-2498280-G-A. GRCh37 (hg19) VCF-style: chr16-2548281-G-A.
Other names: c.1008G>A, p.Ser336= (NM_020705.3).
Identifiers: ClinVar variation 212371 (VCV000212371.65), dbSNP rs370244846, ClinGen allele CA209353.
Genomic context (GRCh38, chr16:2,498,280, plus strand): 5'-CCTGCTCGCTCCCCTCAGGCAGTTTGTACACTTGGCCGTCCATGCAGAGAACTTCCGCTC[G>A]GAGATCGTCAGCGTGAGGGAGATGAGAGACATCTGGTCCTGGGTCCCCGAGCGCTTTGCC-3'
Protein context (NP_001186036.1, residues 332-352): HLAVHAENFR[Ser342=]EIVSVREMRD

ClinVar aggregate classification (germline): Conflicting classifications of pathogenicity. Review status: criteria provided, conflicting classifications (1 of 4 stars). 8 submissions from 8 submitters: Uncertain significance (2); Likely benign (6). Last evaluated 2026-01-05.

Conditions:
Developmental and epileptic encephalopathy, 1 (DEE1). Also called: INFANTILE SPASM SYNDROME, X-LINKED 1; X-linked infantile spasms; West's syndrome; Tonic spasms with clustering, arrest of psychomotor development and hypsarrhythmia on EEG; X-Linked Infantile Spasm Syndrome; Epileptic encephalopathy, early infantile, 1. Identifiers: MedGen C3463992, MONDO:0010632, OMIM 308350. Disease mechanism: loss of function.
Autosomal dominant nonsyndromic hearing loss 65. Also called: Deafness, autosomal dominant 65; TBC1D24-Related Autosomal Dominant Nonsyndromic Hearing Loss (DFNA). Identifiers: Orphanet 90635, MedGen C3892048, MONDO:0014470, OMIM 616044.
Inborn genetic diseases. Identifiers: MedGen C0950123, MeSH D030342.
Familial infantile myoclonic epilepsy (FIME). Also called: TBC1D24-Related Familial Infantile Myoclonic Epilepsy (FIME); Epilepsy, Myoclonic, Infantile. Identifiers: Orphanet 352582, MedGen C0917800, MONDO:0011506, OMIM 605021.

Allele frequency attached by ClinVar (database versions not stated): TOPMed 0.00009; gnomAD 0.00011 and 0.00012; gnomAD exomes 0.00012 and 0.00027; ESP Exome Variant Server 0.00016; ExAC 0.00018.
gnomAD v4.1: 413 of 1,611,816 alleles (0.026%); highest among the groups gnomAD compares: Non-Finnish European, 0.034%; no homozygotes.

Submissions (8):

Labcorp Genetics (formerly Invitae), Labcorp
Classification: Likely benign for Developmental and epileptic encephalopathy, 1; Autosomal dominant nonsyndromic hearing loss 65. Last evaluated: 2026-01-05. Review status: criteria provided, single submitter. Criteria: Invitae Variant Classification Sherloc (09022015). Collection method: clinical testing. Allele origin: germline.

Laboratory of Genetics, Children's Clinical University Hospital Latvia
Classification: Likely benign. Last evaluated: 2025-02-16. Review status: criteria provided, single submitter. Criteria: ACMG Guidelines, 2015. Collection method: clinical testing. Allele origin: germline. Affected: yes.

Blueprint Genetics
Classification: Likely benign. Last evaluated: 2024-07-02. Review status: criteria provided, single submitter. Criteria: ACMG Guidelines, 2015. Collection method: clinical testing. Allele origin: germline.

CeGaT Center for Human Genetics Tuebingen
Classification: Likely benign. Last evaluated: 2024-04-01. Review status: criteria provided, single submitter. Criteria: CeGaT Center For Human Genetics Tuebingen Variant Classification Criteria Version 2. Collection method: clinical testing. Allele origin: germline. Affected: yes. Observed: 3 variant alleles.
Comment: TBC1D24: BP4, BP7

GeneDx
Classification: Likely benign. Last evaluated: 2020-10-26. Review status: criteria provided, single submitter. Criteria: GeneDx Variant Classification Process June 2021. Collection method: clinical testing. Allele origin: germline. Affected: yes.

Ambry Genetics
Classification: Likely benign for Inborn genetic diseases. Last evaluated: 2018-05-01. Review status: criteria provided, single submitter. Criteria: Ambry Variant Classification Scheme 2023. Collection method: clinical testing. Allele origin: germline.

Illumina Laboratory Services, Illumina
Classification: Uncertain significance for Familial infantile myoclonic epilepsy. Last evaluated: 2018-01-12. Review status: criteria provided, single submitter. Criteria: ICSL Variant Classification Criteria 13 December 2019. Collection method: clinical testing. Allele origin: germline.

Genetic Services Laboratory, University of Chicago
Classification: Uncertain significance. Last evaluated: 2015-04-28. Review status: criteria provided, single submitter. Criteria: ACMG Guidelines, 2015. Collection method: clinical testing. Allele origin: germline.